The following is an entry in ClinVar:

NM_001267550.2(TTN):c.82598del (p.Gly27533fs)

Genes: TTN (titin; minus strand), TTN-AS1 (TTN antisense RNA 1; plus strand). Cytogenetic location: 2q31.2.
Variant type: Deletion.
Coding change: c.82598del on transcript NM_001267550.2 (MANE Select); coding-DNA position 82598, one base deleted (G; older notation c.82598delG).
Protein change: p.Gly27533fs; shifts the reading frame from glycine 27533.
Molecular consequence: frameshift variant.
Genome position (GRCh38, 1-based): chr2:178,563,534, C deleted on the plus strand (G on the coding strand, the reverse complement: TTN is on the minus strand); the first of 2 consecutive C bases (chr2:178,563,534-178,563,535); deleting either gives the same sequence. VCF-style (leftmost placement, unchanged base first): chr2-178563533-AC-A. GRCh37 (hg19) VCF-style: chr2-179428260-AC-A.
Other names: c.77675del, p.Gly25892fs (NM_001256850.1); c.55403del, p.Gly18468fs (NM_003319.4); c.74894del, p.Gly24965fs (NM_133378.4); c.55778del, p.Gly18593fs (NM_133432.3); c.55979del, p.Gly18660fs (NM_133437.4); c.55403delG (NM_003319.4); short protein forms G18660fs, G18468fs, G18593fs, G27533fs, G24965fs, G25892fs.
Identifiers: ClinVar variation 1748196 (VCV001748196.4), dbSNP rs2468168693, ClinGen allele CA2580064700.
Genomic context (GRCh38, chr2:178,563,533, plus strand): 5'-TCCCACACCAGCTGCATTTTCAGCAGCAACTCTGAATTCATAGGAATGGCCTTCGGTAAG[AC>A]CAGTTACCCTGAGCCGCAGATCCGTTAATGTTTTCTTGTTGCACTTGGTCCATCTAACGC-3'

ClinVar aggregate classification (germline): Pathogenic/Likely pathogenic. Review status: criteria provided, multiple submitters, no conflicts (2 of 4 stars). 2 submissions from 2 submitters: Pathogenic (1); Likely pathogenic (1). Last evaluated 2024-07-16.

Conditions:
Autosomal recessive limb-girdle muscular dystrophy type 2J (LGMDR10). Also called: Limb-girdle muscular dystrophy, type 2J; MUSCULAR DYSTROPHY, LIMB-GIRDLE, AUTOSOMAL RECESSIVE 10. Identifiers: Orphanet 140922, MedGen C1837342, MONDO:0012127, OMIM 608807.
Dilated cardiomyopathy 1G (CMD1G). Identifiers: Orphanet 154, MedGen C1858763, MONDO:0011400, OMIM 604145.
Cardiovascular phenotype. Identifiers: MedGen CN230736.

Submissions (2):

Labcorp Genetics (formerly Invitae), Labcorp
Classification: Likely pathogenic for Dilated cardiomyopathy 1G; Autosomal recessive limb-girdle muscular dystrophy type 2J. Last evaluated: 2024-07-16. Review status: criteria provided, single submitter. Criteria: Invitae Variant Classification Sherloc (09022015). Collection method: clinical testing. Allele origin: germline.
Comment: This sequence change creates a premature translational stop signal (p.Gly27533Valfs*47) in the TTN gene. While this is not anticipated to result in nonsense mediated decay, it is expected to create a truncated TTN protein. This variant is not present in population databases (gnomAD no frequency). This variant has not been reported in the literature in individuals affected with TTN-related conditions. ClinVar contains an entry for this variant (Variation ID: 1748196). This variant is located in the A band of TTN (PMID: 25589632). Truncating variants in this region are significantly overrepresented in patients affected with dilated cardiomyopathy (PMID: 25589632). Truncating variants in this region have also been reported in individuals affected with autosomal recessive centronuclear myopathy (PMID: 23975875). In summary, the currently available evidence indicates that the variant is pathogenic, but additional data are needed to prove that conclusively. Therefore, this variant has been classified as Likely Pathogenic.

Ambry Genetics
Classification: Pathogenic for Cardiovascular phenotype. Last evaluated: 2021-09-29. Review status: criteria provided, single submitter. Criteria: Ambry Variant Classification Scheme 2023. Collection method: clinical testing. Allele origin: germline.
Comment: The c.55403delG pathogenic mutation, located in coding exon 153 of the TTN gene, results from a deletion of one nucleotide at nucleotide position 55403, causing a translational frameshift with a predicted alternate stop codon (p.G18468Vfs*47). This exon is located in the A-band region of the N2-B isoform of the titin protein and is constitutively expressed in TTN transcripts (percent spliced in or PSI 100%). This alteration has been observed in at least one individual with a personal and/or family history that is consistent with TTN-related disease (Ambry internal data). This variant is considered to be rare based on population cohorts in the Genome Aggregation Database (gnomAD). This alteration is expected to result in loss of function by premature protein truncation or nonsense-mediated mRNA decay. While truncating variants in TTN are present in 1-3% of the general population, truncating variants in the A-band are the most common cause of dilated cardiomyopathy (DCM) (Herman DS et al. N. Engl. J. Med., 2012 Feb;366:619-28; Roberts AM et al. Sci Transl Med, 2015 Jan;7:270ra6). TTN truncating variants encoded in constitutive exons (PSI >90%) have been found to be significantly associated with DCM regardless of their position in titin (Schafer S et al. Nat. Genet., 2017 01;49:46-53). Based on the supporting evidence, this alteration is interpreted as a disease-causing mutation.

Literature cited by the submitters: PubMed 25589632 (cited by Labcorp Genetics (formerly Invitae), Labcorp); PubMed 23975875 (cited by Labcorp Genetics (formerly Invitae), Labcorp).